The following is an entry in ClinVar:

ClinVar aggregate classification (germline): Uncertain significance (1 of 4 stars; one submission).

Conditions:
Gamma-aminobutyric acid transaminase deficiency (GABATD). Also called: GABA transaminase deficiency; Gamma aminobutyrate transaminase deficiency; 4 alpha aminobutyrate transaminase deficiency; GABA aminotransaminase deficiency. Identifiers: Orphanet 2066, MedGen C0342708, MONDO:0013166, OMIM 613163.

Submission:

Labcorp Genetics (formerly Invitae), Labcorp
Classification: Uncertain significance for Gamma-aminobutyric acid transaminase deficiency. Last evaluated: 2022-02-12. Review status: criteria provided, single submitter. Criteria: Invitae Variant Classification Sherloc (09022015). Collection method: clinical testing. Allele origin: germline.
Comment: This variant is a gross deletion of the genomic region encompassing exon(s) 6-16 of the ABAT gene, which includes the termination codon. This deletion extends beyond the assayed region for this gene and therefore may encompass additional genes. While this deletion is not anticipated to lead to nonsense mediated decay, it is expected to alter mRNA translation or result in a truncated protein product. This variant has not been reported in the literature in individuals affected with ABAT-related conditions. Experimental studies and prediction algorithms are not available or were not evaluated, and the functional significance of this variant is currently unknown. This variant disrupts a region of the ABAT protein in which other variant(s) (p.Leu211Phe) have been observed in individuals with ABAT-related conditions (PMID: 25738457). This suggests that this is a clinically significant region of the protein, and that variants that disrupt it are likely to be disease-causing. In summary, the available evidence is currently insufficient to determine the role of this variant in disease. Therefore, it has been classified as a Variant of Uncertain Significance.

Literature cited by the submitters: PubMed 25738457.

NC_000016.9:g.(?_8851594)_(9017290_?)del

Genes: CARHSP1 (calcium regulated heat stable protein 1; minus strand), PMM2 (phosphomannomutase 2; plus strand), TMEM186 (transmembrane protein 186; minus strand), ABAT (4-aminobutyrate aminotransferase; plus strand), USP7 (ubiquitin specific peptidase 7; minus strand). Cytogenetic location: 16p13.2.
Variant type: Deletion.
Identifiers: ClinVar variation 2426572 (VCV002426572.5).